The following is an entry in ClinVar:

ClinVar aggregate classification (germline): Benign/Likely benign. Review status: criteria provided, multiple submitters, no conflicts (2 of 4 stars). 3 submissions from 3 submitters: Benign (2); Likely benign (1). Last evaluated 2023-03-01.

Conditions:
Telangiectasia, hereditary hemorrhagic, type 2 (HHT2). Also called: ACVRL1-Related Hereditary Hemorrhagic Telangiectasia; Telangiectasia, hereditary hemorrhagic, type II. Identifiers: Orphanet 774, MedGen C1838163, MONDO:0010880, OMIM 600376. Disease mechanism: loss of function.

Allele frequency attached by ClinVar (database versions not stated): gnomAD exomes 0.00253; gnomAD 0.00360 and 0.00374; 1000 Genomes Project 0.00399; 1000 Genomes Project 30x 0.00406; TOPMed 0.00422.

Submissions (3):

CeGaT Center for Human Genetics Tuebingen
Classification: Likely benign. Last evaluated: 2023-03-01. Review status: criteria provided, single submitter. Criteria: CeGaT Center For Human Genetics Tuebingen Variant Classification Criteria Version 2. Collection method: clinical testing. Allele origin: germline. Affected: yes. Observed: 6 variant alleles.
Comment: ACVRL1: BS1

Illumina Laboratory Services, Illumina
Classification: Benign for Telangiectasia, hereditary hemorrhagic, type 2. Last evaluated: 2018-01-13. Review status: criteria provided, single submitter. Criteria: ICSL Variant Classification Criteria 13 December 2019. Collection method: clinical testing. Allele origin: germline.
Comment: This variant was observed in the ICSL laboratory as part of a predisposition screen in an ostensibly healthy population. It had not been previously curated by ICSL or reported in the Human Gene Mutation Database (HGMD: prior to June 1st, 2018), and was therefore a candidate for classification through an automated scoring system. Utilizing variant allele frequency, disease prevalence and penetrance estimates, and inheritance mode, an automated score was calculated to assess if this variant is too frequent to cause the disease. Based on the score and internal cut-off values, a variant classified as benign is not then subjected to further curation. The score for this variant resulted in a classification of benign for this disease.

Breakthrough Genomics
Classification: Benign. Review status: criteria provided, single submitter. Criteria: ACMG Guidelines, 2015. Collection method: not provided. Allele origin: germline. Inheritance: Autosomal dominant inheritance. Affected: yes.

NM_000020.3(ACVRL1):c.*2281G>T

Gene: ACVRL1 (activin A receptor like type 1; plus strand). Cytogenetic location: 12q13.13.
Variant type: single nucleotide variant.
Coding change: c.*2281G>T on transcript NM_000020.3 (MANE Select); 2281 bases downstream of the stop codon, G replaced by T.
Molecular consequence: 3 prime UTR variant.
Genome position (GRCh38, 1-based): chr12:51,923,174, G>T. VCF-style: chr12-51923174-G-T. GRCh37 (hg19) VCF-style: chr12-52316958-G-T.
Other names: c.*2281G>T (NM_001077401.2).
Identifiers: ClinVar variation 309480 (VCV000309480.36), dbSNP rs114323941, ClinGen allele CA10642722.